The following is an entry in ClinVar:

ClinVar aggregate classification (germline): Uncertain significance. Review status: criteria provided, multiple submitters, no conflicts (2 of 4 stars). 2 submissions from 2 submitters: Uncertain significance (2). Last evaluated 2025-04-29.

Conditions:
Familial sleep-related hypermotor epilepsy. Also called: Autosomal Dominant Sleep-Related Hypermotor (Hyperkinetic) Epilepsy. Identifiers: Orphanet 98784, MedGen C3696898, MONDO:0000030.
Inborn genetic diseases. Identifiers: MedGen C0950123, MeSH D030342.

Allele frequency attached by ClinVar (database versions not stated): gnomAD 0.00001.
gnomAD v4.1: 1 of 1,614,136 alleles (0.000062%); highest among the groups gnomAD compares: Admixed American, 0.0017%; no homozygotes.

Submissions (2):

Ambry Genetics
Classification: Uncertain significance for Inborn genetic diseases. Last evaluated: 2025-04-29. Review status: criteria provided, single submitter. Criteria: Ambry Variant Classification Scheme 2023. Collection method: clinical testing. Allele origin: germline.

Labcorp Genetics (formerly Invitae), Labcorp
Classification: Uncertain significance. Last evaluated: 2020-12-09. Review status: criteria provided, single submitter. Criteria: Invitae Variant Classification Sherloc (09022015). Collection method: clinical testing. Allele origin: germline.
Comment: Advanced modeling of protein sequence and biophysical properties (such as structural, functional, and spatial information, amino acid conservation, physicochemical variation, residue mobility, and thermodynamic stability) performed at Invitae indicates that this missense variant is not expected to disrupt CHRNB2 protein function. This variant has not been reported in the literature in individuals with CHRNB2-related conditions. This variant is not present in population databases (ExAC no frequency). This sequence change replaces methionine with threonine at codon 266 of the CHRNB2 protein (p.Met266Thr). The methionine residue is highly conserved and there is a moderate physicochemical difference between methionine and threonine. In summary, the available evidence is currently insufficient to determine the role of this variant in disease. Therefore, it has been classified as a Variant of Uncertain Significance.

NM_000748.3(CHRNB2):c.797T>C (p.Met266Thr)

Gene: CHRNB2 (cholinergic receptor nicotinic beta 2 subunit; plus strand). Cytogenetic location: 1q21.3.
Variant type: single nucleotide variant.
Coding change: c.797T>C on transcript NM_000748.3 (MANE Select); coding-DNA position 797, T replaced by C.
Protein change: p.Met266Thr; replaces methionine 266 with threonine.
Molecular consequence: missense variant.
Genome position (GRCh38, 1-based): chr1:154,571,620, T>C. VCF-style: chr1-154571620-T-C. GRCh37 (hg19) VCF-style: chr1-154544096-T-C.
Other names: c.797T>C (NM_000748.2); short protein forms M266T.
Identifiers: ClinVar variation 1396419 (VCV001396419.9), dbSNP rs113672425, ClinGen allele CA342630858.